The following is an entry in ClinVar:

NM_000059.4(BRCA2):c.4020T>C (p.Asp1340=)

Gene: BRCA2 (BRCA2 DNA repair associated; plus strand). Cytogenetic location: 13q13.1.
Variant type: single nucleotide variant.
Coding change: c.4020T>C on transcript NM_000059.4 (MANE Select); coding-DNA position 4020, T replaced by C.
Protein change: p.Asp1340=; no amino-acid change (aspartic acid 1340 retained).
Molecular consequence: synonymous variant.
Genome position (GRCh38, 1-based): chr13:32,338,375, T>C. VCF-style: chr13-32338375-T-C. GRCh37 (hg19) VCF-style: chr13-32912512-T-C.
Identifiers: ClinVar variation 516919 (VCV000516919.16), dbSNP rs1555283508, ClinGen allele CA483438104.

ClinVar aggregate classification (germline): Likely benign. Review status: criteria provided, multiple submitters, no conflicts (2 of 4 stars). 5 submissions from 5 submitters: Likely benign (5). Last evaluated 2025-07-24.

Conditions:
Hereditary cancer-predisposing syndrome. Also called: Tumor predisposition; Hereditary neoplastic syndrome; Neoplastic Syndromes, Hereditary; Hereditary Cancer Syndrome. Identifiers: Orphanet 140162, MedGen C0027672, MeSH D009386, MONDO:0015356.
Hereditary breast ovarian cancer syndrome. Also called: Hereditary breast and ovarian cancer syndrome (HBOC); Hereditary breast and ovarian cancer; Hereditary breast and ovarian cancer syndrome; Breast and ovarian cancer; BRCA1- and BRCA2-Associated Hereditary Breast and Ovarian Cancer; Hereditary breast and/or ovarian cancer syndrome. Identifiers: Orphanet 145, MedGen C0677776, MeSH D061325, MONDO:0003582. Disease mechanism: loss of function.

gnomAD v4.1: 1 of 1,591,186 alleles (0.000063%); highest among the groups gnomAD compares: Non-Finnish European, 0.000085%; no homozygotes.

Submissions (5):

Labcorp Genetics (formerly Invitae), Labcorp
Classification: Likely benign for Hereditary breast ovarian cancer syndrome. Last evaluated: 2025-07-24. Review status: criteria provided, single submitter. Criteria: Invitae Variant Classification Sherloc (09022015). Collection method: clinical testing. Allele origin: germline.

Color Diagnostics, LLC DBA Color Health
Classification: Likely benign for Hereditary cancer-predisposing syndrome. Last evaluated: 2022-05-03. Review status: criteria provided, single submitter. Criteria: ACMG Guidelines, 2015. Collection method: clinical testing. Allele origin: germline.

Sema4
Classification: Likely benign for Hereditary cancer-predisposing syndrome. Last evaluated: 2021-09-18. Review status: criteria provided, single submitter. Criteria: Sema4 Curation Guidelines. Collection method: curation. Allele origin: germline.

Ambry Genetics
Classification: Likely benign for Hereditary cancer-predisposing syndrome. Last evaluated: 2018-03-29. Review status: criteria provided, single submitter. Criteria: Ambry Variant Classification Scheme 2023. Collection method: clinical testing. Allele origin: germline.

GeneDx
Classification: Likely benign. Last evaluated: 2017-04-28. Review status: criteria provided, single submitter. Criteria: GeneDx Variant Classification (06012015). Collection method: clinical testing. Allele origin: germline. Affected: yes.
Comment: This variant is considered likely benign or benign based on one or more of the following criteria: it is a conservative change, it occurs at a poorly conserved position in the protein, it is predicted to be benign by multiple in silico algorithms, and/or has population frequency not consistent with disease.